The following is an entry in ClinVar:

NM_203446.3(SYNJ1):c.3588+5G>A

Gene: SYNJ1 (synaptojanin 1; minus strand). Cytogenetic location: 21q22.11.
Variant type: single nucleotide variant.
Coding change: c.3588+5G>A on transcript NM_203446.3 (MANE Select); 5 bases into the intron after coding-DNA position 3588, G replaced by A.
Molecular consequence: intron variant.
Genome position (GRCh38, 1-based): chr21:32,641,891, C>T on the plus strand (G>A on the coding strand, the complement: SYNJ1 is on the minus strand). VCF-style: chr21-32641891-C-T. GRCh37 (hg19) VCF-style: chr21-34014201-C-T.
Other names: c.3705+5G>A (NM_003895.4); c.3540+5G>A (NM_001160302.2); c.3447+5G>A (NM_001160306.2).
Identifiers: ClinVar variation 1377251 (VCV001377251.3), dbSNP rs1050566897, ClinGen allele CA319422091.

ClinVar aggregate classification (germline): Uncertain significance (1 of 4 stars; one submission).

Conditions:
Developmental and epileptic encephalopathy, 53. Also called: Epileptic encephalopathy, early infantile, 53. Identifiers: MedGen C4479313, MONDO:0033362, OMIM 617389.
Early-onset Parkinson disease 20. Also called: PARKINSON DISEASE 20, AUTOSOMAL RECESSIVE EARLY-ONSET. Identifiers: Orphanet 391411, MedGen C3809824, MONDO:0014233, OMIM 615530.

Allele frequency attached by ClinVar (database versions not stated): gnomAD exomes below 0.00001; gnomAD 0.00001; TOPMed 0.00001.
gnomAD v4.1: 5 of 1,607,154 alleles (0.00031%); highest among the groups gnomAD compares: African/African-American, 0.0013%; no homozygotes.

Submission:

Labcorp Genetics (formerly Invitae), Labcorp
Classification: Uncertain significance for Developmental and epileptic encephalopathy, 53; Early-onset Parkinson disease 20. Last evaluated: 2021-08-23. Review status: criteria provided, single submitter. Criteria: Invitae Variant Classification Sherloc (09022015). Collection method: clinical testing. Allele origin: germline.
Comment: This sequence change falls in intron 29 of the SYNJ1 gene. It does not directly change the encoded amino acid sequence of the SYNJ1 protein. It affects a nucleotide within the consensus splice site of the intron. This variant is not present in population databases (ExAC no frequency). This variant has not been reported in the literature in individuals affected with SYNJ1-related conditions. Variants that disrupt the consensus splice site are a relatively common cause of aberrant splicing (PMID: 17576681, 9536098). Algorithms developed to predict the effect of sequence changes on RNA splicing suggest that this variant may disrupt the consensus splice site. In summary, the available evidence is currently insufficient to determine the role of this variant in disease. Therefore, it has been classified as a Variant of Uncertain Significance.

Literature cited by the submitters: PubMed 17576681; PubMed 9536098.